The following is an entry in ClinVar:

NM_001042492.3(NF1):c.5000del (p.Pro1667fs)

Gene: NF1 (neurofibromin 1; plus strand). Cytogenetic location: 17q11.2.
Variant type: Deletion.
Coding change: c.5000del on transcript NM_001042492.3 (MANE Select); coding-DNA position 5000, one base deleted (C; older notation c.5000delC).
Protein change: p.Pro1667fs; shifts the reading frame from proline 1667.
Molecular consequence: frameshift variant.
Genome position (GRCh38, 1-based): chr17:31,325,984, C deleted; the last of 2 consecutive C bases (chr17:31,325,983-31,325,984); deleting either gives the same sequence. VCF-style (leftmost placement, unchanged base first): chr17-31325982-TC-T. GRCh37 (hg19) VCF-style: chr17-29653000-TC-T.
Other names: c.4937del, p.Pro1646fs (NM_000267.4); c.5000delC, p.Pro1667Leufs (NM_001042492.2); short protein forms P1646fs, P1667fs.
Identifiers: ClinVar variation 4823924 (VCV004823924.1).

ClinVar aggregate classification (germline): Pathogenic (1 of 4 stars; one submission).

Conditions:
Neurofibromatosis, type 1 (NF1). Also called: VON RECKLINGHAUSEN DISEASE; Peripheral type neurofibromatosis; Neurofibromatosis, type I; NEUROFIBROMATOSIS, TYPE I, SOMATIC. Identifiers: Orphanet 636, MedGen C0027831, MONDO:0018975, OMIM 162200. Disease mechanism: loss of function.

Submission:

Department of Genetics, Sultan Qaboos University Hospital
Classification: Pathogenic for Neurofibromatosis, type 1. Last evaluated: 2026-04-01. Review status: criteria provided, single submitter. Criteria: ACMG Guidelines, 2015. Collection method: clinical testing. Allele origin: germline. Affected: yes. Observed: 1 variant allele.
Comment: PVS1,PM2